The following is an entry in ClinVar:

ClinVar aggregate classification (germline): Benign (1 of 4 stars; one submission).

Conditions:
Qualitative or quantitative defects of delta-sarcoglycan. Identifiers: Orphanet 207070, MedGen C5680806, MONDO:0016144.

Allele frequency attached by ClinVar (database versions not stated): gnomAD 0.01333 and 0.01419; TOPMed 0.01506; 1000 Genomes Project 30x 0.02717; 1000 Genomes Project 0.02756.

Submission:

Illumina Laboratory Services, Illumina
Classification: Benign for Qualitative or quantitative defects of delta-sarcoglycan. Last evaluated: 2018-01-12. Review status: criteria provided, single submitter. Criteria: ICSL Variant Classification Criteria 13 December 2019. Collection method: clinical testing. Allele origin: germline.
Comment: This variant was observed in the ICSL laboratory as part of a predisposition screen in an ostensibly healthy population. It had not been previously curated by ICSL or reported in the Human Gene Mutation Database (HGMD: prior to June 1st, 2018), and was therefore a candidate for classification through an automated scoring system. Utilizing variant allele frequency, disease prevalence and penetrance estimates, and inheritance mode, an automated score was calculated to assess if this variant is too frequent to cause the disease. Based on the score and internal cut-off values, a variant classified as benign is not then subjected to further curation. The score for this variant resulted in a classification of benign for this disease.

NM_000337.6(SGCD):c.*6400C>T

Gene: SGCD (sarcoglycan delta; plus strand). Cytogenetic location: 5q33.3.
Variant type: single nucleotide variant.
Coding change: c.*6400C>T on transcript NM_000337.6 (MANE Select); 6400 bases downstream of the stop codon, C replaced by T.
Molecular consequence: 3 prime UTR variant.
Genome position (GRCh38, 1-based): chr5:156,765,790, C>T. VCF-style: chr5-156765790-C-T. GRCh37 (hg19) VCF-style: chr5-156192801-C-T.
Other names: c.*6400C>T (NM_001128209.2).
Identifiers: ClinVar variation 352420 (VCV000352420.6), dbSNP rs10065295, ClinGen allele CA10619813.